The following is an entry in ClinVar:

NM_007294.4(BRCA1):c.2659_2660insA (p.Ala887fs)

Gene: BRCA1 (BRCA1 DNA repair associated; minus strand). Cytogenetic location: 17q21.31.
Variant type: Insertion.
Coding change: c.2659_2660insA on transcript NM_007294.4 (MANE Select); coding-DNA positions 2659 to 2660, A inserted.
Protein change: p.Ala887fs; shifts the reading frame from alanine 887.
Molecular consequence: frameshift variant. On other transcripts: intron variant (137).
Genome position: GRCh38 VCF-style: chr17-43092871-G-GT. GRCh37 (hg19) VCF-style: chr17-41244888-G-GT.
Other names: c.647-1840_647-1839insA (NM_001408456.1, NM_001408410.1, NM_001408458.1 and 11 more transcripts); c.644-1840_644-1839insA (NM_001408465.1, NM_001408463.1, NM_001408462.1 and 3 more transcripts); c.578-1840_578-1839insA (NM_001408482.1, NM_001408484.1, NM_001408478.1 and 9 more transcripts); c.521-1840_521-1839insA (NM_001408504.1, NM_001408503.1, NM_001408505.1); c.524-1840_524-1839insA (NM_001408499.1, NM_001408498.1, NM_001408501.1 and 3 more transcripts); c.671-1840_671-1839insA (NM_001408422.1, NM_001408418.1, NM_001408423.1 and 2 more transcripts); c.707-1840_707-1839insA (NM_001408416.1, NM_001408413.1); c.662-1840_662-1839insA (NM_001408450.1, NM_001408434.1, NM_001408447.1 and 6 more transcripts); and 41 more; short protein forms A840fs, A887fs, A719fs, A775fs, A819fs, A820fs, A884fs, A591fs.
Identifiers: ClinVar variation 54630 (VCV000054630.3), dbSNP rs397508991, ClinGen allele CA001741.
Genomic context (GRCh38, chr17:43,092,871, plus strand): 5'-TCCTTTTGTTCACATTCAAAAGTGACTTTTGGACTTTGTTTCTTTAAGGACCCAGAGTGG[G>GT]CAGAGAATGTTGCACATTCCTCTTCTGCATTTCCTGGATTTGAAAACGGAGCAAATGACT-3'

ClinVar aggregate classification (germline): Pathogenic. Review status: reviewed by expert panel (3 of 4 stars). 2 submissions from 2 submitters: Pathogenic (1). 1 of the submissions does not count toward it. Last evaluated 2017-12-15.

Conditions:
Breast-ovarian cancer, familial, susceptibility to, 1 (BROVCA1). Also called: OVARIAN CANCER, SUSCEPTIBILITY TO; BRCA1 Hereditary Breast and Ovarian Cancer. Identifiers: Orphanet 145, MedGen C2676676, MONDO:0011450, OMIM 604370. Disease mechanism: loss of function.
Familial cancer of breast. Also called: Hereditary breast cancer; hereditary breast carcinoma; BREAST CANCER, FAMILIAL. Identifiers: Orphanet 227535, MedGen C0346153, MONDO:0016419, OMIM 114480. Disease mechanism: loss of function.

Submissions (2):

Evidence-based Network for the Interpretation of Germline Mutant Alleles (ENIGMA)
Classification: Pathogenic for Breast-ovarian cancer, familial, susceptibility to, 1. Last evaluated: 2017-12-15. Review status: reviewed by expert panel. Criteria: ENIGMA BRCA1/2 Classification Criteria (2017-06-29). Collection method: curation. Allele origin: germline. Study: ENIGMA.
Comment: Variant allele predicted to encode a truncated non-functional protein.

ClinVar Staff, National Center for Biotechnology Information (NCBI)
No classification provided. Condition: Familial cancer of breast. Review status: no classification provided. Collection method: literature only. Allele origin: germline. Affected: yes. Not counted in ClinVar's aggregate classification.

Literature cited by the submitters: PubMed 8808710 (cited by ClinVar Staff, National Center for Biotechnology Information (NCBI)).